The following is an entry in ClinVar:

ClinVar aggregate classification (germline): Uncertain significance (1 of 4 stars; one submission).

Conditions:
Atrial fibrillation, familial, 7 (ATFB7). Identifiers: MedGen C2677106, MONDO:0012828, OMIM 612240.

Allele frequency attached by ClinVar (database versions not stated): gnomAD 0.00001.

Submission:

Labcorp Genetics (formerly Invitae), Labcorp
Classification: Uncertain significance for Atrial fibrillation, familial, 7. Last evaluated: 2020-05-27. Review status: criteria provided, single submitter. Criteria: Invitae Variant Classification Sherloc (09022015). Collection method: clinical testing. Allele origin: germline.
Comment: In summary, the available evidence is currently insufficient to determine the role of this variant in disease. Therefore, it has been classified as a Variant of Uncertain Significance. Algorithms developed to predict the effect of missense changes on protein structure and function (SIFT, PolyPhen-2, Align-GVGD) all suggest that this variant is likely to be disruptive, but these predictions have not been confirmed by published functional studies and their clinical significance is uncertain. This variant has not been reported in the literature in individuals with KCNA5-related conditions. This variant is not present in population databases (ExAC no frequency). This sequence change replaces proline with arginine at codon 323 of the KCNA5 protein (p.Pro323Arg). The proline residue is highly conserved and there is a moderate physicochemical difference between proline and arginine.

NM_002234.4(KCNA5):c.968C>G (p.Pro323Arg)

Gene: KCNA5 (potassium voltage-gated channel subfamily A member 5; plus strand). Cytogenetic location: 12p13.32.
Variant type: single nucleotide variant.
Coding change: c.968C>G on transcript NM_002234.4 (MANE Select); coding-DNA position 968, C replaced by G.
Protein change: p.Pro323Arg; replaces proline 323 with arginine.
Molecular consequence: missense variant.
Genome position (GRCh38, 1-based): chr12:5,045,115, C>G. VCF-style: chr12-5045115-C-G. GRCh37 (hg19) VCF-style: chr12-5154281-C-G.
Other names: short protein forms P323R.
Identifiers: ClinVar variation 1042033 (VCV001042033.8), dbSNP rs1333918540, ClinGen allele CA383465496.
Genomic context (GRCh38, chr12:5,045,115, plus strand): 5'-TCATGGCCCCGCCCTCTGGCCCTACGGTGGCACCGCTCCTGCCCAGGACCCTGGCCGACC[C>G]CTTCTTCATCGTGGAGACCACGTGCGTCATCTGGTTCACCTTCGAGCTGCTCGTGCGCTT-3'
Protein context (NP_002225.2, residues 313-333): APLLPRTLAD[Pro323Arg]FFIVETTCVI